The following is an entry in ClinVar:

NC_000002.12:g.121530900T>A

Genes: CLASP1 (cytoplasmic linker associated protein 1; minus strand), CLASP1-AS1 (CLASP1 antisense RNA 1; plus strand), RNU4ATAC (RNA, U4atac small nuclear; plus strand). Cytogenetic location: 2q14.2.
Variant type: single nucleotide variant.
Molecular consequence: intron variant (on NM_001395891.1).
Genome position: GRCh38 VCF-style: chr2-121530900-T-A. GRCh37 (hg19) VCF-style: chr2-122288476-T-A.
Other names: c.196-575A>T (NM_001142274.2, NM_015282.3, NM_001378003.1 and 5 more transcripts).
Identifiers: ClinVar variation 1954361 (VCV001954361.3), dbSNP rs966589874, ClinGen allele CA428887854.

ClinVar aggregate classification (germline): Uncertain significance (1 of 4 stars; one submission).

gnomAD v4.1: 1 of 695,668 alleles (0.00014%); highest among the groups gnomAD compares: Admixed American, 0.002%; no homozygotes.

Submission:

Labcorp Genetics (formerly Invitae), Labcorp
Classification: Uncertain significance. Last evaluated: 2022-06-24. Review status: criteria provided, single submitter. Criteria: Invitae Variant Classification Sherloc (09022015). Collection method: clinical testing. Allele origin: germline.
Comment: In summary, the available evidence is currently insufficient to determine the role of this variant in disease. Therefore, it has been classified as a Variant of Uncertain Significance. Experimental studies and prediction algorithms are not available or were not evaluated, and the functional significance of this variant is currently unknown. This variant has not been reported in the literature in individuals affected with RNU4ATAC-related conditions. This variant is not present in population databases (gnomAD no frequency). This variant occurs in the RNU4ATAC gene, which encodes an RNA molecule that does not result in a protein product.